The following is an entry in ClinVar:

NM_016203.4(PRKAG2):c.46A>T (p.Ser16Cys)

Gene: PRKAG2 (protein kinase AMP-activated non-catalytic subunit gamma 2; minus strand). Cytogenetic location: 7q36.1.
Variant type: single nucleotide variant.
Coding change: c.46A>T on transcript NM_016203.4 (MANE Select); coding-DNA position 46, A replaced by T.
Protein change: p.Ser16Cys; replaces serine 16 with cysteine.
Molecular consequence: missense variant.
Genome position (GRCh38, 1-based): chr7:151,876,575, T>A on the plus strand (A>T on the coding strand, the complement: PRKAG2 is on the minus strand). VCF-style: chr7-151876575-T-A. GRCh37 (hg19) VCF-style: chr7-151573660-T-A.
Other names: short protein forms S16C.
Identifiers: ClinVar variation 636537 (VCV000636537.3), dbSNP rs1444086983, ClinGen allele CA370071981.

ClinVar aggregate classification (germline): Uncertain significance. Review status: criteria provided, multiple submitters, no conflicts (2 of 4 stars). 2 submissions from 2 submitters: Uncertain significance (2). Last evaluated 2026-04-02.

Conditions:
Cardiovascular phenotype. Identifiers: MedGen CN230736.

Allele frequency attached by ClinVar (database versions not stated): gnomAD 0.00003.
gnomAD v4.1: 2 of 1,610,534 alleles (0.00012%); no homozygotes.

Submissions (2):

Ambry Genetics
Classification: Uncertain significance for Cardiovascular phenotype. Last evaluated: 2026-04-02. Review status: criteria provided, single submitter. Criteria: Ambry Variant Classification Scheme 2023. Collection method: clinical testing. Allele origin: germline.
Comment: The p.S16C variant (also known as c.46A>T), located in coding exon 1 of the PRKAG2 gene, results from an A to T substitution at nucleotide position 46. The serine at codon 16 is replaced by cysteine, an amino acid with dissimilar properties. This amino acid position is conserved. In addition, this alteration is predicted to be tolerated by in silico analysis. Based on the available evidence, the clinical significance of this variant remains unclear.

Blueprint Genetics
Classification: Uncertain significance. Last evaluated: 2017-11-23. Review status: criteria provided, single submitter. Criteria: ACMG Guidelines, 2015. Collection method: clinical testing. Allele origin: germline.